The following is an entry in ClinVar:

ClinVar aggregate classification (germline): Uncertain significance (1 of 4 stars; one submission).

Conditions:
Benign neonatal seizures. Also called: Benign neonatal familial convulsions; Benign familial neonatal seizures; Convulsions benign familial neonatal dominant form; Autosomal dominant form of benign neonatal seizures; Benign familial neonatal epilepsy. Identifiers: Orphanet 1949, MedGen C0220669, MONDO:0016027.

Submission:

Labcorp Genetics (formerly Invitae), Labcorp
Classification: Uncertain significance for Benign neonatal seizures. Last evaluated: 2024-07-03. Review status: criteria provided, single submitter. Criteria: Invitae Variant Classification Sherloc (09022015). Collection method: clinical testing. Allele origin: germline.
Comment: This sequence change replaces alanine, which is neutral and non-polar, with glutamic acid, which is acidic and polar, at codon 419 of the KCNQ3 protein (p.Ala419Glu). This variant is not present in population databases (gnomAD no frequency). This variant has not been reported in the literature in individuals affected with KCNQ3-related conditions. ClinVar contains an entry for this variant (Variation ID: 2003253). Advanced modeling of protein sequence and biophysical properties (such as structural, functional, and spatial information, amino acid conservation, physicochemical variation, residue mobility, and thermodynamic stability) performed at Invitae indicates that this missense variant is not expected to disrupt KCNQ3 protein function with a negative predictive value of 95%. In summary, the available evidence is currently insufficient to determine the role of this variant in disease. Therefore, it has been classified as a Variant of Uncertain Significance.

NM_004519.4(KCNQ3):c.1256C>A (p.Ala419Glu)

Gene: KCNQ3 (potassium voltage-gated channel subfamily Q member 3; minus strand). Cytogenetic location: 8q24.22.
Variant type: single nucleotide variant.
Coding change: c.1256C>A on transcript NM_004519.4 (MANE Select); coding-DNA position 1256, C replaced by A.
Protein change: p.Ala419Glu; replaces alanine 419 with glutamic acid.
Molecular consequence: missense variant.
Genome position (GRCh38, 1-based): chr8:132,163,474, G>T on the plus strand (C>A on the coding strand, the complement: KCNQ3 is on the minus strand). VCF-style: chr8-132163474-G-T. GRCh37 (hg19) VCF-style: chr8-133175721-G-T.
Other names: c.896C>A, p.Ala299Glu (NM_001204824.2); short protein forms A299E, A419E.
Identifiers: ClinVar variation 2003253 (VCV002003253.4), dbSNP rs2536921451, ClinGen allele CA372289522.